The following is an entry in ClinVar:

ClinVar aggregate classification (germline): Uncertain significance. Review status: criteria provided, multiple submitters, no conflicts (2 of 4 stars). 2 submissions from 2 submitters: Uncertain significance (2). Last evaluated 2024-02-22.

Conditions:
Familial thoracic aortic aneurysm and aortic dissection (TAAD). Also called: Thoracic aortic aneurysms and dissections. Identifiers: Orphanet 91387, MedGen C4707243, MONDO:0019625.
Ehlers-Danlos syndrome, type 4 (EDSVASC). Also called: Ehlers-Danlos syndrome vascular type; Ehlers Danlos syndrome, ecchymotic type; Ehlers Danlos syndrome, arterial type; Ehlers Danlos syndrome, Sack-Barabas type; Ehlers-Danlos Syndrome Type IV. Identifiers: Orphanet 286, MedGen C0268338, MONDO:0017314, OMIM 130050.

gnomAD v4.1: 1 of 1,614,222 alleles (0.000062%); highest among the groups gnomAD compares: Admixed American, 0.0017%; no homozygotes.

Submissions (2):

All of Us Research Program, National Institutes of Health
Classification: Uncertain significance for Ehlers-Danlos syndrome, type 4. Last evaluated: 2024-02-22. Review status: criteria provided, single submitter. Criteria: ACMG Guidelines, 2015. Collection method: clinical testing. Allele origin: germline. Inheritance: Autosomal dominant inheritance. Observed: 1 variant allele, 1 heterozygote.
Comment: This missense variant replaces isoleucine with phenylalanine at codon 1234 of the COL3A1 protein. Computational prediction is inconclusive regarding the impact of this variant on protein structure and function (internally defined REVEL score threshold 0.5 < inconclusive < 0.7, PMID: 27666373). To our knowledge, functional studies have not been reported for this variant. This variant has not been reported in individuals affected with COL3A1-related disorders in the literature. This variant has been identified in 1/251384 chromosomes in the general population by the Genome Aggregation Database (gnomAD). The available evidence is insufficient to determine the role of this variant in disease conclusively. Therefore, this variant is classified as a Variant of Uncertain Significance.

This study involves interpretation of variants in research participants for the purpose of population health screening. Participant phenotype was not available at the time of variant classification. Additional details can be found in publication PMID: 35346344, PMCID: PMC8962531

Color Diagnostics, LLC DBA Color Health
Classification: Uncertain significance for Familial thoracic aortic aneurysm and aortic dissection. Last evaluated: 2024-02-14. Review status: criteria provided, single submitter. Criteria: ACMG Guidelines, 2015. Collection method: clinical testing. Allele origin: germline.
Comment: This missense variant replaces isoleucine with phenylalanine at codon 1234 of the COL3A1 protein. Computational prediction is inconclusive regarding the impact of this variant on protein structure and function (internally defined REVEL score threshold 0.5 < inconclusive < 0.7, PMID: 27666373). To our knowledge, functional studies have not been reported for this variant. This variant has not been reported in individuals affected with COL3A1-related disorders in the literature. This variant has been identified in 1/251384 chromosomes in the general population by the Genome Aggregation Database (gnomAD). The available evidence is insufficient to determine the role of this variant in disease conclusively. Therefore, this variant is classified as a Variant of Uncertain Significance.

NM_000090.4(COL3A1):c.3700A>T (p.Ile1234Phe)

Gene: COL3A1 (collagen type III alpha 1 chain; plus strand). Cytogenetic location: 2q32.2.
Variant type: single nucleotide variant.
Coding change: c.3700A>T on transcript NM_000090.4 (MANE Select); coding-DNA position 3700, A replaced by T.
Protein change: p.Ile1234Phe; replaces isoleucine 1234 with phenylalanine.
Molecular consequence: missense variant.
Genome position (GRCh38, 1-based): chr2:189,009,098, A>T. VCF-style: chr2-189009098-A-T. GRCh37 (hg19) VCF-style: chr2-189873824-A-T.
Other names: short protein forms I1234F.
Identifiers: ClinVar variation 3386493 (VCV003386493.2).